The following is an entry in ClinVar:

NM_003105.6(SORL1):c.4413T>G (p.Cys1471Trp)

Genes: SORL1 (sortilin related receptor 1; plus strand), LOC126861368 (P300/CBP strongly-dependent group 1 enhancer GRCh37_chr11:121465964-121467163; plus strand). Cytogenetic location: 11q24.1.
Variant type: single nucleotide variant.
Coding change: c.4413T>G on transcript NM_003105.6 (MANE Select); coding-DNA position 4413, T replaced by G.
Protein change: p.Cys1471Trp; replaces cysteine 1471 with tryptophan.
Molecular consequence: missense variant.
Genome position (GRCh38, 1-based): chr11:121,595,666, T>G. VCF-style: chr11-121595666-T-G. GRCh37 (hg19) VCF-style: chr11-121466375-T-G.
Other names: short protein forms C1471W.
Identifiers: ClinVar variation 2763550 (VCV002763550.3), dbSNP rs2496962623, ClinGen allele CA383034936.

ClinVar aggregate classification (germline): Uncertain significance (1 of 4 stars; one submission).

Submission:

Labcorp Genetics (formerly Invitae), Labcorp
Classification: Uncertain significance. Last evaluated: 2023-09-27. Review status: criteria provided, single submitter. Criteria: Invitae Variant Classification Sherloc (09022015). Collection method: clinical testing. Allele origin: germline.
Comment: This sequence change replaces cysteine, which is neutral and slightly polar, with tryptophan, which is neutral and slightly polar, at codon 1471 of the SORL1 protein (p.Cys1471Trp). This variant is not present in population databases (gnomAD no frequency). This variant has not been reported in the literature in individuals affected with SORL1-related conditions. An algorithm developed to predict the effect of missense changes on protein structure and function (PolyPhen-2) suggests that this variant is likely to be disruptive. In summary, the available evidence is currently insufficient to determine the role of this variant in disease. Therefore, it has been classified as a Variant of Uncertain Significance.